The following is an entry in ClinVar:

ClinVar aggregate classification (germline): Uncertain significance (1 of 4 stars; one submission).

Allele frequency attached by ClinVar (database versions not stated): gnomAD 0.00001; ExAC 0.00002; gnomAD exomes 0.00002.
gnomAD v4.1: 7 of 1,613,726 alleles (0.00043%); highest among the groups gnomAD compares: South Asian, 0.0077%; no homozygotes.

Submission:

Labcorp Genetics (formerly Invitae), Labcorp
Classification: Uncertain significance. Last evaluated: 2022-01-11. Review status: criteria provided, single submitter. Criteria: Invitae Variant Classification Sherloc (09022015). Collection method: clinical testing. Allele origin: germline.
Comment: This sequence change replaces threonine, which is neutral and polar, with isoleucine, which is neutral and non-polar, at codon 837 of the PCDH15 protein (p.Thr837Ile). This variant is present in population databases (rs776536099, gnomAD 0.01%). This variant has not been reported in the literature in individuals affected with PCDH15-related conditions. Algorithms developed to predict the effect of missense changes on protein structure and function output the following: SIFT: "Tolerated"; PolyPhen-2: "Benign"; Align-GVGD: "Class C0". The isoleucine amino acid residue is found in multiple mammalian species, which suggests that this missense change does not adversely affect protein function. In summary, the available evidence is currently insufficient to determine the role of this variant in disease. Therefore, it has been classified as a Variant of Uncertain Significance.

NM_001384140.1(PCDH15):c.2510C>T (p.Thr837Ile)

Gene: PCDH15 (protocadherin related 15; minus strand). Cytogenetic location: 10q21.1.
Variant type: single nucleotide variant.
Coding change: c.2510C>T on transcript NM_001384140.1 (MANE Select); coding-DNA position 2510, C replaced by T.
Protein change: p.Thr837Ile; replaces threonine 837 with isoleucine.
Molecular consequence: missense variant.
Genome position (GRCh38, 1-based): chr10:54,022,908, G>A on the plus strand (C>T on the coding strand, the complement: PCDH15 is on the minus strand). VCF-style: chr10-54022908-G-A. GRCh37 (hg19) VCF-style: chr10-55782668-G-A.
Other names: c.2525C>T, p.Thr842Ile (NM_001142763.2, NM_001142771.2); c.2510C>T, p.Thr837Ile (NM_001142764.2, NM_001142766.2, NM_001142770.3 and 5 more transcripts); c.2297C>T, p.Thr766Ile (NM_001142765.2); c.2399C>T, p.Thr800Ile (NM_001142767.2); c.2444C>T, p.Thr815Ile (NM_001142768.2, NM_001142773.2, NM_001354404.2); c.2546C>T, p.Thr849Ile (NM_001142769.4); c.2531C>T, p.Thr844Ile (NM_001354411.2); short protein forms T842I, T844I, T849I, T766I, T800I, T837I, T815I.
Identifiers: ClinVar variation 1438668 (VCV001438668.3), dbSNP rs776536099, ClinGen allele CA5506017.
Genomic context (GRCh38, chr10:54,022,908, plus strand): 5'-CTCCTAATGTAGGATTCATGTAATAAATGCTTTTTCCCACACACCTCTATTTGAAGGATG[G>A]TAGTCCCAGCTGGCAAATTCTCTTCAACAAGGACAGTGTATGTTGAATTGGTGAACACAG-3'
Protein context (NP_001371069.1, residues 827-847): LVEENLPAGT[Thr837Ile]ILQIEAKDVD